The following is an entry in ClinVar:

NM_002529.4(NTRK1):c.481C>T (p.Arg161Cys)

Gene: NTRK1 (neurotrophic receptor tyrosine kinase 1; plus strand). Cytogenetic location: 1q23.1.
Variant type: single nucleotide variant.
Coding change: c.481C>T on transcript NM_002529.4 (MANE Select); coding-DNA position 481, C replaced by T.
Protein change: p.Arg161Cys; replaces arginine 161 with cysteine.
Molecular consequence: missense variant.
Genome position (GRCh38, 1-based): chr1:156,868,156, C>T. VCF-style: chr1-156868156-C-T. GRCh37 (hg19) VCF-style: chr1-156837948-C-T.
Other names: c.391C>T, p.Arg131Cys (NM_001007792.1); c.481C>T, p.Arg161Cys (NM_001012331.2); short protein forms R131C, R161C.
Identifiers: ClinVar variation 1399997 (VCV001399997.3), dbSNP rs755045059, ClinGen allele CA1168993.

ClinVar aggregate classification (germline): Uncertain significance (1 of 4 stars; one submission).

Conditions:
Hereditary insensitivity to pain with anhidrosis (CIPA). Also called: HSAN Type IV; NTRK1 Congenital Insensitivity to Pain with Anhidrosis; FAMILIAL DYSAUTONOMIA, TYPE II; NEUROPATHY, CONGENITAL SENSORY, WITH ANHIDROSIS; hereditary sensory and autonomic neuropathy type 4; INSENSITIVITY TO PAIN, CONGENITAL, WITH ANHIDROSIS. Identifiers: Orphanet 642, MedGen C0020074, MONDO:0009746, OMIM 256800.

Allele frequency attached by ClinVar (database versions not stated): ExAC 0.00001; gnomAD exomes 0.00002; gnomAD 0.00003; TOPMed 0.00003.
gnomAD v4.1: 27 of 1,613,720 alleles (0.0017%); highest among the groups gnomAD compares: African/African-American, 0.0067%; no homozygotes.

Submission:

Labcorp Genetics (formerly Invitae), Labcorp
Classification: Uncertain significance for Hereditary insensitivity to pain with anhidrosis. Last evaluated: 2021-11-30. Review status: criteria provided, single submitter. Criteria: Invitae Variant Classification Sherloc (09022015). Collection method: clinical testing. Allele origin: germline.
Comment: This sequence change replaces arginine, which is basic and polar, with cysteine, which is neutral and slightly polar, at codon 161 of the NTRK1 protein (p.Arg161Cys). This variant is present in population databases (rs755045059, gnomAD 0.007%). This variant has not been reported in the literature in individuals affected with NTRK1-related conditions. Advanced modeling of protein sequence and biophysical properties (such as structural, functional, and spatial information, amino acid conservation, physicochemical variation, residue mobility, and thermodynamic stability) performed at Invitae indicates that this missense variant is not expected to disrupt NTRK1 protein function. In summary, the available evidence is currently insufficient to determine the role of this variant in disease. Therefore, it has been classified as a Variant of Uncertain Significance.